The following is an entry in ClinVar:

NM_004366.6(CLCN2):c.2518G>A (p.Glu840Lys)

Gene: CLCN2 (chloride voltage-gated channel 2; minus strand). Cytogenetic location: 3q27.1.
Variant type: single nucleotide variant.
Coding change: c.2518G>A on transcript NM_004366.6 (MANE Select); coding-DNA position 2518, G replaced by A.
Protein change: p.Glu840Lys; replaces glutamic acid 840 with lysine.
Molecular consequence: missense variant.
Genome position (GRCh38, 1-based): chr3:184,346,785, C>T on the plus strand (G>A on the coding strand, the complement: CLCN2 is on the minus strand). VCF-style: chr3-184346785-C-T. GRCh37 (hg19) VCF-style: chr3-184064573-C-T.
Other names: c.2467G>A, p.Glu823Lys (NM_001171087.3); c.2386G>A, p.Glu796Lys (NM_001171088.3); c.2431G>A, p.Glu811Lys (NM_001171089.3); c.2518G>A (NM_004366.4); short protein forms E796K, E823K, E811K, E840K.
Identifiers: ClinVar variation 2694079 (VCV002694079.5), dbSNP rs77317531, ClinGen allele CA2733645.

ClinVar aggregate classification (germline): Uncertain significance. Review status: criteria provided, multiple submitters, no conflicts (2 of 4 stars). 3 submissions from 3 submitters: Uncertain significance (3). Last evaluated 2026-06-02.

Conditions:
Inborn genetic diseases. Identifiers: MedGen C0950123, MeSH D030342.

Allele frequency attached by ClinVar (database versions not stated): ExAC 0.00002; TOPMed 0.00002; gnomAD 0.00003; 1000 Genomes Project 30x 0.00016; 1000 Genomes Project 0.00020; gnomAD exomes 0.00003.
gnomAD v4.1: 43 of 1,614,026 alleles (0.0027%); highest among the groups gnomAD compares: East Asian, 0.018%; no homozygotes.

Submissions (3):

Women's Health and Genetics/Laboratory Corporation of America, LabCorp
Classification: Uncertain significance. Last evaluated: 2026-06-02. Review status: criteria provided, single submitter. Criteria: LabCorp Variant Classification Summary - May 2015. Collection method: clinical testing. Allele origin: germline.
Comment: Variant summary: CLCN2 c.2518G>A (p.Glu840Lys) results in a conservative amino acid change in the encoded protein sequence. Algorithms developed to predict the effect of missense changes on protein structure and function are either unavailable or do not agree on the potential impact of this missense change. The variant allele was found at a frequency of 2.4e-05 in 250516 control chromosomes. The available data on variant occurrences in the general population are insufficient to allow any conclusion about variant significance. To our knowledge, no occurrence of c.2518G>A in individuals affected with CLCN2-related conditions and no experimental evidence demonstrating its impact on protein function have been reported. ClinVar contains an entry for this variant (Variation ID: 2694079). Based on the evidence outlined above, the variant was classified as uncertain significance.

Ambry Genetics
Classification: Uncertain significance for Inborn genetic diseases. Last evaluated: 2025-08-20. Review status: criteria provided, single submitter. Criteria: Ambry Variant Classification Scheme 2023. Collection method: clinical testing. Allele origin: germline.

Labcorp Genetics (formerly Invitae), Labcorp
Classification: Uncertain significance. Last evaluated: 2024-02-14. Review status: criteria provided, single submitter. Criteria: Invitae Variant Classification Sherloc (09022015). Collection method: clinical testing. Allele origin: germline.
Comment: This sequence change replaces glutamic acid, which is acidic and polar, with lysine, which is basic and polar, at codon 840 of the CLCN2 protein (p.Glu840Lys). This variant is present in population databases (rs77317531, gnomAD 0.005%). This variant has not been reported in the literature in individuals affected with CLCN2-related conditions. Advanced modeling of protein sequence and biophysical properties (such as structural, functional, and spatial information, amino acid conservation, physicochemical variation, residue mobility, and thermodynamic stability) performed at Invitae indicates that this missense variant is expected to disrupt CLCN2 protein function with a positive predictive value of 80%. In summary, the available evidence is currently insufficient to determine the role of this variant in disease. Therefore, it has been classified as a Variant of Uncertain Significance.